The following is an entry in ClinVar:

ClinVar aggregate classification (germline): Uncertain significance (1 of 4 stars; one submission).

Submission:

Labcorp Genetics (formerly Invitae), Labcorp
Classification: Uncertain significance. Last evaluated: 2025-05-11. Review status: criteria provided, single submitter. Criteria: Invitae Variant Classification Sherloc (09022015). Collection method: clinical testing. Allele origin: germline.
Comment: This sequence change replaces methionine, which is neutral and non-polar, with valine, which is neutral and non-polar, at codon 1536 of the DIP2C protein (p.Met1536Val). This variant is present in population databases (no rsID available, gnomAD 0.0009%). This variant has not been reported in the literature in individuals affected with DIP2C-related conditions. An algorithm developed to predict the effect of missense changes on protein structure and function (PolyPhen-2) suggests that this variant is likely to be tolerated. In summary, the available evidence is currently insufficient to determine the role of this variant in disease. Therefore, it has been classified as a Variant of Uncertain Significance.

NM_014974.3(DIP2C):c.4606A>G (p.Met1536Val)

Gene: DIP2C (DIP2 acetate--CoA ligase C (putative); minus strand). Cytogenetic location: 10p15.3.
Variant type: single nucleotide variant.
Coding change: c.4606A>G on transcript NM_014974.3 (MANE Select); coding-DNA position 4606, A replaced by G.
Protein change: p.Met1536Val; replaces methionine 1536 with valine.
Molecular consequence: missense variant.
Genome position (GRCh38, 1-based): chr10:277,390, T>C on the plus strand (A>G on the coding strand, the complement: DIP2C is on the minus strand). VCF-style: chr10-277390-T-C. GRCh37 (hg19) VCF-style: chr10-323330-T-C.
Other names: short protein forms M1536V.
Identifiers: ClinVar variation 4727025 (VCV004727025.1).